The following is an entry in ClinVar:

NM_030665.4(RAI1):c.2437G>A (p.Glu813Lys)

Gene: RAI1 (retinoic acid induced 1; plus strand). Cytogenetic location: 17p11.2.
Variant type: single nucleotide variant.
Coding change: c.2437G>A on transcript NM_030665.4 (MANE Select); coding-DNA position 2437, G replaced by A.
Protein change: p.Glu813Lys; replaces glutamic acid 813 with lysine.
Molecular consequence: missense variant.
Genome position (GRCh38, 1-based): chr17:17,795,385, G>A. VCF-style: chr17-17795385-G-A. GRCh37 (hg19) VCF-style: chr17-17698699-G-A.
Other names: short protein forms E813K.
Identifiers: ClinVar variation 4536162 (VCV004536162.1).
Genomic context (GRCh38, chr17:17,795,385, plus strand): 5'-TTCCAGGAGGAGGACCCCCCTGGGGAGAAGGTGGCCTCGTTGCCCGGGGACTTCAAGCAG[G>A]AGGAGGTGGGTGGGGTGAAGGAGGAGGCAGGTGGGCTGCTGCAGTGCCCCGAGGTGGCCA-3'
Protein context (NP_109590.3, residues 803-823): VASLPGDFKQ[Glu813Lys]EVGGVKEEAG

ClinVar aggregate classification (germline): Uncertain significance (1 of 4 stars; one submission).

gnomAD v4.1: 2 of 1,593,970 alleles (0.00013%); highest among the groups gnomAD compares: Non-Finnish European, 0.00017%; no homozygotes.

Submission:

GeneDx
Classification: Uncertain significance. Last evaluated: 2025-06-05. Review status: criteria provided, single submitter. Criteria: GeneDx Variant Classification Process June 2021. Collection method: clinical testing. Allele origin: germline. Affected: yes.
Comment: Not observed at significant frequency in large population cohorts (gnomAD); In silico analysis suggests that this missense variant does not alter protein structure/function; Has not been previously published as pathogenic or benign to our knowledge